The following is an entry in ClinVar:

NC_000002.12:g.(?_29919983)_(29920659_?)dup

Gene: ALK (ALK receptor tyrosine kinase; minus strand). Cytogenetic location: 2p23.1.
Variant type: Duplication.
Identifiers: ClinVar variation 833375 (VCV000833375.2).

ClinVar aggregate classification (germline): Uncertain significance (1 of 4 stars; one submission).

Conditions:
Neuroblastoma, susceptibility to, 3. Also called: ALK-Related Neuroblastic Tumor Susceptibility. Identifiers: Orphanet 635, MedGen C2751681, MONDO:0013083, OMIM 613014.

Submission:

Labcorp Genetics (formerly Invitae), Labcorp
Classification: Uncertain significance for Neuroblastoma, susceptibility to, 3. Last evaluated: 2022-06-09. Review status: criteria provided, single submitter. Criteria: Invitae Variant Classification Sherloc (09022015). Collection method: clinical testing. Allele origin: germline.
Comment: This variant results in a copy number gain of the genomic region encompassing exon(s) 1 of the ALK gene. This region includes the initiator codon of the gene. This copy number gain extends beyond the assayed region for this gene and therefore may encompass additional genes. As the precise location of this event is unknown, it may be in tandem or it may be located elsewhere in the genome. This variant has not been reported in the literature in individuals affected with ALK-related conditions. Experimental studies and prediction algorithms are not available or were not evaluated, and the functional significance of this variant is currently unknown. In summary, the available evidence is currently insufficient to determine the role of this variant in disease. Therefore, it has been classified as a Variant of Uncertain Significance.